The following is an entry in ClinVar:

NM_001166114.2(PNPLA6):c.3423C>T (p.Ala1141=)

Gene: PNPLA6 (patatin like domain 6, lysophospholipase; plus strand). Cytogenetic location: 19p13.2.
Variant type: single nucleotide variant.
Coding change: c.3423C>T on transcript NM_001166114.2 (MANE Select); coding-DNA position 3423, C replaced by T.
Protein change: p.Ala1141=; no amino-acid change (alanine 1141 retained).
Molecular consequence: synonymous variant.
Genome position (GRCh38, 1-based): chr19:7,558,875, C>T. VCF-style: chr19-7558875-C-T. GRCh37 (hg19) VCF-style: chr19-7623761-C-T.
Other names: c.3453C>T, p.Ala1151= (NM_001166111.2); c.3228C>T, p.Ala1076= (NM_001166112.2); c.3309C>T, p.Ala1103= (NM_001166113.1, NM_006702.5).
Identifiers: ClinVar variation 3898684 (VCV003898684.7).

ClinVar aggregate classification (germline): Likely benign (1 of 4 stars; one submission).

Submission:

CeGaT Center for Human Genetics Tuebingen
Classification: Likely benign. Last evaluated: 2025-04-01. Review status: criteria provided, single submitter. Criteria: CeGaT Center For Human Genetics Tuebingen Variant Classification Criteria Version 2. Collection method: clinical testing. Allele origin: germline. Affected: yes. Observed: 1 variant allele.
Comment: PNPLA6: PM2:Supporting, BP4, BP7